The following is an entry in ClinVar:

ClinVar aggregate classification (germline): Conflicting classifications of pathogenicity. Review status: criteria provided, conflicting classifications (1 of 4 stars). 4 submissions from 4 submitters: Uncertain significance (3); Likely benign (1). Last evaluated 2025-06-27.

Conditions:
PHF6-related disorder. Also called: PHF6-related condition.
Inborn genetic diseases. Identifiers: MedGen C0950123, MeSH D030342.
Borjeson-Forssman-Lehmann syndrome (BFLS). Also called: MENTAL RETARDATION, X-LINKED, SYNDROMIC, BORJESON-FORSSMAN-LEHMANN TYPE; MENTAL RETARDATION, EPILEPSY, AND ENDOCRINE DISORDERS; BORJESON SYNDROME. Identifiers: Orphanet 127, MedGen C0265339, MONDO:0010537, OMIM 301900.

Allele frequency attached by ClinVar (database versions not stated): gnomAD exomes below 0.00001.
gnomAD v4.1: 1 of 1,211,366 alleles (0.000083%); highest among the groups gnomAD compares: Non-Finnish European, 0.00011%; no homozygotes.

Submissions (4):

Labcorp Genetics (formerly Invitae), Labcorp
Classification: Likely benign for Borjeson-Forssman-Lehmann syndrome. Last evaluated: 2025-06-27. Review status: criteria provided, single submitter. Criteria: Invitae Variant Classification Sherloc (09022015). Collection method: clinical testing. Allele origin: germline.

PreventionGenetics, part of Exact Sciences
Classification: Uncertain significance for PHF6-related condition. Last evaluated: 2025-06-11. Review status: criteria provided, single submitter. Criteria: ACMG Guidelines, 2015. Collection method: clinical testing. Allele origin: germline.
Comment: The PHF6 c.1045A>G variant is predicted to result in the amino acid substitution p.Lys349Glu. To our knowledge, this variant has not been reported in the literature. This variant is reported in 0.0024% of alleles in individuals of European (Non-Finnish) descent in gnomAD. At this time, the clinical significance of this variant is uncertain due to the absence of conclusive functional and genetic evidence.

Ambry Genetics
Classification: Uncertain significance for Inborn genetic diseases. Last evaluated: 2024-05-14. Review status: criteria provided, single submitter. Criteria: Ambry Variant Classification Scheme 2023. Collection method: clinical testing. Allele origin: germline.

Athena Diagnostics
Classification: Uncertain significance. Last evaluated: 2022-03-28. Review status: criteria provided, single submitter. Criteria: Athena Diagnostics Criteria. Collection method: clinical testing. Allele origin: unknown.

NM_001015877.2(PHF6):c.1045A>G (p.Lys349Glu)

Gene: PHF6 (PHD finger protein 6; plus strand). Cytogenetic location: Xq26.2.
Variant type: single nucleotide variant.
Coding change: c.1045A>G on transcript NM_001015877.2 (MANE Select); coding-DNA position 1045, A replaced by G.
Protein change: p.Lys349Glu; replaces lysine 349 with glutamic acid.
Molecular consequence: missense variant.
Genome position (GRCh38, 1-based): chrX:134,425,277, A>G. VCF-style: chrX-134425277-A-G. GRCh37 (hg19) VCF-style: chrX-133559307-A-G.
Other names: c.1045A>G, p.Lys349Glu (NM_032458.3); short protein forms K349E.
Identifiers: ClinVar variation 1807128 (VCV001807128.5), dbSNP rs1054974225, ClinGen allele CA336030131.
Genomic context (GRCh38, chrX:134,425,277, plus strand): 5'-CATAGTGGAAATGATGAGAGAGATGAAGAAGATGAGGAACGAGAGAGTAAAAGCCGAGGA[A>G]AAGTAGAAATTGATCAGCAACAACTAACTCAGCAGCAACTTAATGGAAACTAGGTATGAA-3'
Protein context (NP_001015877.1, residues 339-359): DEERESKSRG[Lys349Glu]VEIDQQQLTQ